The following is an entry in ClinVar:

ClinVar aggregate classification (germline): Benign/Likely benign. Review status: criteria provided, multiple submitters, no conflicts (2 of 4 stars). 5 submissions from 5 submitters: Benign (3); Likely benign (1). 1 of the submissions does not count toward it. Last evaluated 2026-02-01.

Conditions:
HNSHA due to aldolase A deficiency (GSD12). Also called: GSD XII; Glycogen storage disease due to aldolase A deficiency; RED CELL ALDOLASE DEFICIENCY; GLYCOGEN STORAGE DISEASE XII. Identifiers: Orphanet 57, MedGen C0272066, MONDO:0012747, OMIM 611881.

Allele frequency attached by ClinVar (database versions not stated): ESP Exome Variant Server 0.00069; gnomAD exomes 0.00597 and 0.02694; gnomAD 0.01088 and 0.01132; ExAC 0.02002; TOPMed 0.02002; 1000 Genomes Project 0.02117; 1000 Genomes Project 30x 0.02295.
gnomAD v4.1: 10,353 of 1,614,104 alleles (0.64%); highest among the groups gnomAD compares: Admixed American, 16%; 944 homozygotes.

Submissions (5):

Labcorp Genetics (formerly Invitae), Labcorp
Classification: Benign for HNSHA due to aldolase A deficiency. Last evaluated: 2026-02-01. Review status: criteria provided, single submitter. Criteria: Invitae Variant Classification Sherloc (09022015). Collection method: clinical testing. Allele origin: germline.

ARUP Laboratories, Molecular Genetics and Genomics, ARUP Laboratories
Classification: Benign for HNSHA due to aldolase A deficiency. Last evaluated: 2025-07-28. Review status: criteria provided, single submitter. Criteria: ARUP Molecular Germline Variant Investigation Process 2024. Collection method: clinical testing. Allele origin: germline.

GeneDx
Classification: Benign. Last evaluated: 2016-02-03. Review status: criteria provided, single submitter. Criteria: GeneDx Variant Classification (06012015). Collection method: clinical testing. Allele origin: germline. Affected: yes.
Comment: This variant is considered likely benign or benign based on one or more of the following criteria: it is a conservative change, it occurs at a poorly conserved position in the protein, it is predicted to be benign by multiple in silico algorithms, and/or has population frequency not consistent with disease.

Breakthrough Genomics
Classification: Likely benign. Review status: criteria provided, single submitter. Criteria: ACMG Guidelines, 2015. Collection method: not provided. Allele origin: germline. Inheritance: Autosomal recessive inheritance. Affected: yes.

Mayo Clinic Laboratories, Mayo Clinic
Classification: Likely benign. Last evaluated: 2015-12-15. Review status: no assertion criteria provided. Collection method: clinical testing. Allele origin: unknown. Not counted in ClinVar's aggregate classification.

NM_001243177.4(ALDOA):c.1200C>T (p.Ser400=)

Genes: ALDOA (aldolase, fructose-bisphosphate A; plus strand), LOC112694756 (uncharaterized LOC112694756; plus strand). Cytogenetic location: 16p11.2.
Variant type: single nucleotide variant.
Coding change: c.1200C>T on transcript NM_001243177.4 (MANE Select); coding-DNA position 1200, C replaced by T.
Protein change: p.Ser400=; no amino-acid change (serine 400 retained).
Molecular consequence: synonymous variant. On other transcripts: 3 prime UTR variant (3).
Genome position (GRCh38, 1-based): chr16:30,070,155, C>T. VCF-style: chr16-30070155-C-T. GRCh37 (hg19) VCF-style: chr16-30081476-C-T.
Other names: c.*1547C>T (NM_001365304.2, NM_001365305.2, NM_001365307.2); c.1038C>T, p.Ser346= (NM_001127617.2, NM_184041.5, NM_184043.2).
Identifiers: ClinVar variation 318839 (VCV000318839.29), dbSNP rs77290575, ClinGen allele CA8001249.
Genomic context (GRCh38, chr16:30,070,155, plus strand): 5'-CTCCACCCCTCTCCCTGCTTAGGCCAACAGCCTTGCCTGTCAAGGAAAGTACACTCCGAG[C>T]GGTCAGGCTGGGGCTGCTGCCAGCGAGTCCCTCTTCGTCTCTAACCACGCCTATTAAGCG-3'
Protein context (NP_001230106.1, residues 390-410): SLACQGKYTP[Ser400=]GQAGAAASES